The following is an entry in ClinVar:

ClinVar aggregate classification (germline): Benign/Likely benign. Review status: criteria provided, multiple submitters, no conflicts (2 of 4 stars). 5 submissions from 5 submitters: Benign (2); Likely benign (2). 1 of the submissions does not count toward it. Last evaluated 2026-02-01.

Conditions:
Leukocyte adhesion deficiency 3. Also called: INTEGRIN ACTIVATION DEFICIENCY DISEASE; LEUKOCYTE ADHESION DEFICIENCY 1 VARIANT; Leukocyte adhesion deficiency, type III. Identifiers: Orphanet 2968, Orphanet 99844, MedGen C2748536, MONDO:0013016, OMIM 612840.
FERMT3-related disorder. Also called: FERMT3-related condition.

Allele frequency attached by ClinVar (database versions not stated): gnomAD exomes 0.00020 and 0.00054; 1000 Genomes Project 0.00200; 1000 Genomes Project 30x 0.00203; TOPMed 0.00222; gnomAD 0.00233 and 0.00245; ESP Exome Variant Server 0.00292.
gnomAD v4.1: 660 of 1,614,164 alleles (0.041%); highest among the groups gnomAD compares: African/African-American, 0.79%; 6 homozygotes.

Submissions (5):

Labcorp Genetics (formerly Invitae), Labcorp
Classification: Benign for Leukocyte adhesion deficiency 3. Last evaluated: 2026-02-01. Review status: criteria provided, single submitter. Criteria: Invitae Variant Classification Sherloc (09022015). Collection method: clinical testing. Allele origin: germline.

Women's Health and Genetics/Laboratory Corporation of America, LabCorp
Classification: Likely benign. Last evaluated: 2026-01-22. Review status: criteria provided, single submitter. Criteria: LabCorp Variant Classification Summary - May 2015. Collection method: clinical testing. Allele origin: germline.

Mayo Clinic Laboratories, Mayo Clinic
Classification: Benign. Last evaluated: 2025-10-02. Review status: criteria provided, single submitter. Criteria: ACMG Guidelines, 2015. Collection method: clinical testing. Allele origin: germline. Observed: 1 variant allele.
Comment: BS1, BS2, BP4, BP7

Blueprint Genetics
Classification: Likely benign. Last evaluated: 2024-10-09. Review status: criteria provided, single submitter. Criteria: ACMG Guidelines, 2015. Collection method: clinical testing. Allele origin: germline.

PreventionGenetics, part of Exact Sciences
Classification: Likely benign for FERMT3-related condition. Last evaluated: 2020-01-06. Review status: no assertion criteria provided. Collection method: clinical testing. Allele origin: germline. Not counted in ClinVar's aggregate classification.
Comment: This variant is classified as likely benign based on ACMG/AMP sequence variant interpretation guidelines (Richards et al. 2015 PMID: 25741868, with internal and published modifications).

NM_031471.6(FERMT3):c.249C>T (p.Tyr83=)

Gene: FERMT3 (FERM domain containing kindlin 3; plus strand). Cytogenetic location: 11q13.1.
Variant type: single nucleotide variant.
Coding change: c.249C>T on transcript NM_031471.6 (MANE Select); coding-DNA position 249, C replaced by T.
Protein change: p.Tyr83=; no amino-acid change (tyrosine 83 retained).
Molecular consequence: synonymous variant. On other transcripts: 5 prime UTR variant (2).
Genome position (GRCh38, 1-based): chr11:64,210,699, C>T. VCF-style: chr11-64210699-C-T. GRCh37 (hg19) VCF-style: chr11-63978171-C-T.
Other names: p.Tyr83=; c.249C>T, p.Tyr83= (NM_001382361.1, NM_001382362.1, NM_001382448.1 and 1 more transcripts); c.-292C>T (NM_001382363.1, NM_001382364.1).
Identifiers: ClinVar variation 733204 (VCV000733204.16), dbSNP rs137865691, ClinGen allele CA6068689.